The following is an entry in ClinVar:

ClinVar aggregate classification (germline): Uncertain significance (1 of 4 stars; one submission).

Conditions:
POMC-related disorder. Also called: POMC-related condition; POMC-related disorders.

gnomAD v4.1: 8 of 1,613,356 alleles (0.0005%); highest among the groups gnomAD compares: Non-Finnish European, 0.00068%; no homozygotes.

Submission:

PreventionGenetics, part of Exact Sciences
Classification: Uncertain significance for POMC-related condition. Last evaluated: 2026-03-16. Review status: criteria provided, single submitter. Criteria: ACMG Guidelines, 2015. Collection method: clinical testing. Allele origin: germline.
Comment: The POMC c.667A>G variant is predicted to result in the amino acid substitution p.Met223Val. This variant has been observed in an obesity cohort and functional studies show that this variant may impact protein function (Shah B.P. et al. 2023. PubMed ID: 36864747). This variant is reported in 0.0035% of alleles in individuals of European (Non-Finnish) descent in gnomAD. Although we suspect that this variant may be pathogenic, at this time, the clinical significance of this variant is uncertain due to the absence of conclusive functional and genetic evidence.

NM_000939.4(POMC):c.667A>G (p.Met223Val)

Gene: POMC (proopiomelanocortin; minus strand). Cytogenetic location: 2p23.3.
Variant type: single nucleotide variant.
Coding change: c.667A>G on transcript NM_000939.4 (MANE Select); coding-DNA position 667, A replaced by G.
Protein change: p.Met223Val; replaces methionine 223 with valine.
Molecular consequence: missense variant.
Genome position (GRCh38, 1-based): chr2:25,161,218, T>C on the plus strand (A>G on the coding strand, the complement: POMC is on the minus strand). VCF-style: chr2-25161218-T-C. GRCh37 (hg19) VCF-style: chr2-25384087-T-C.
Other names: c.667A>G, p.Met223Val (NM_001035256.3, NM_001319204.2, NM_001319205.2); short protein forms M223V.
Identifiers: ClinVar variation 4977858 (VCV004977858.1).